The following is an entry in ClinVar:

ClinVar aggregate classification (germline): Benign (1 of 4 stars; one submission).

Conditions:
Charcot-Marie-Tooth disease type 2B (CMT2B). Also called: Charcot-Marie-Tooth Neuropathy Type 2B; CHARCOT-MARIE-TOOTH DISEASE, AXONAL, TYPE 2B; CHARCOT-MARIE-TOOTH DISEASE, AUTOSOMAL DOMINANT, TYPE 2B; HEREDITARY MOTOR AND SENSORY NEUROPATHY IIB. Identifiers: Orphanet 99936, MedGen C1833219, MONDO:0010949, OMIM 600882.

Allele frequency attached by ClinVar (database versions not stated): gnomAD 0.00003 and 0.00038; TOPMed 0.00007; 1000 Genomes Project 0.00339; 1000 Genomes Project 30x 0.00344.

Submission:

Illumina Laboratory Services, Illumina
Classification: Benign for Charcot-Marie-Tooth disease type 2B. Last evaluated: 2018-01-13. Review status: criteria provided, single submitter. Criteria: ICSL Variant Classification Criteria 13 December 2019. Collection method: clinical testing. Allele origin: germline.
Comment: This variant was observed in the ICSL laboratory as part of a predisposition screen in an ostensibly healthy population. It had not been previously curated by ICSL or reported in the Human Gene Mutation Database (HGMD: prior to June 1st, 2018), and was therefore a candidate for classification through an automated scoring system. Utilizing variant allele frequency, disease prevalence and penetrance estimates, and inheritance mode, an automated score was calculated to assess if this variant is too frequent to cause the disease. Based on the score and internal cut-off values, a variant classified as benign is not then subjected to further curation. The score for this variant resulted in a classification of benign for this disease.

NM_004637.6(RAB7A):c.*1374G>A

Gene: RAB7A (RAB7A, member RAS oncogene family; plus strand). Cytogenetic location: 3q21.3.
Variant type: single nucleotide variant.
Coding change: c.*1374G>A on transcript NM_004637.6 (MANE Select); 1374 bases downstream of the stop codon, G replaced by A.
Molecular consequence: 3 prime UTR variant.
Genome position (GRCh38, 1-based): chr3:128,814,796, G>A. VCF-style: chr3-128814796-G-A. GRCh37 (hg19) VCF-style: chr3-128533639-G-A.
Identifiers: ClinVar variation 343185 (VCV000343185.5), dbSNP rs539522952, ClinGen allele CA10617166.